The following is an entry in ClinVar:

NM_001395159.1(UNC79):c.3898C>A (p.His1300Asn)

Gene: UNC79 (unc-79 subunit of NALCN channel complex; plus strand). Cytogenetic location: 14q32.12.
Variant type: single nucleotide variant.
Coding change: c.3898C>A on transcript NM_001395159.1 (MANE Select); coding-DNA position 3898, C replaced by A.
Protein change: p.His1300Asn; replaces histidine 1300 with asparagine.
Molecular consequence: missense variant.
Genome position (GRCh38, 1-based): chr14:93,612,874, C>A. VCF-style: chr14-93612874-C-A. GRCh37 (hg19) VCF-style: chr14-94079220-C-A.
Other names: c.3832C>A, p.His1278Asn (NM_001346218.2); c.3301C>A, p.His1101Asn (NM_020818.5); short protein forms H1101N, H1278N, H1300N.
Identifiers: ClinVar variation 4885826 (VCV004885826.2).
Genomic context (GRCh38, chr14:93,612,874, plus strand): 5'-AATGACAACACCATCAAGGACCTGCTCCCAGAAGACGCTGGGATCGACCACCAGACAGTT[C>A]ACCAGCTGATTACAGTGCTCATGAAGTTCATGGCCAAGGATGAAAGCAGCGCTGAGTCAG-3'
Protein context (NP_001382088.1, residues 1290-1310): EDAGIDHQTV[His1300Asn]QLITVLMKFM

ClinVar aggregate classification (germline): Uncertain significance (1 of 4 stars; one submission).

gnomAD v4.1: 1 of 1,614,124 alleles (0.000062%); highest among the groups gnomAD compares: Non-Finnish European, 0.000085%; no homozygotes.

Submission:

Dasa
Classification: Uncertain significance. Last evaluated: 2026-02-25. Review status: criteria provided, single submitter. Criteria: DASA Assertion Criteria. Collection method: clinical testing. Allele origin: germline.
Comment: NM_001395159.1(UNC79):c.3898C>A (p.His1300Asn) is a missense variant that results in the substitution of histidine with asparagine. This variant is rare in population databases. The currently available literature and clinical evidence are not sufficient to establish a definitive association between this variant and the reported condition. Therefore, this variant is classified as a variant of uncertain significance.